The following is an entry in ClinVar:

NM_004646.4(NPHS1):c.2443C>T (p.Gln815Ter)

Gene: NPHS1 (NPHS1 adhesion molecule, nephrin; minus strand). Cytogenetic location: 19q13.12.
Variant type: single nucleotide variant.
Coding change: c.2443C>T on transcript NM_004646.4 (MANE Select); coding-DNA position 2443, C replaced by T.
Protein change: p.Gln815Ter; replaces glutamine 815 with a stop codon.
Molecular consequence: nonsense.
Genome position (GRCh38, 1-based): chr19:35,842,442, G>A on the plus strand (C>T on the coding strand, the complement: NPHS1 is on the minus strand). VCF-style: chr19-35842442-G-A. GRCh37 (hg19) VCF-style: chr19-36333344-G-A.
Other names: short protein forms Q815*.
Identifiers: ClinVar variation 2008297 (VCV002008297.5), dbSNP rs2513769477, ClinGen allele CA405393110.

ClinVar aggregate classification (germline): Pathogenic (1 of 4 stars; one submission).

Submission:

Labcorp Genetics (formerly Invitae), Labcorp
Classification: Pathogenic. Last evaluated: 2022-06-19. Review status: criteria provided, single submitter. Criteria: Invitae Variant Classification Sherloc (09022015). Collection method: clinical testing. Allele origin: germline.
Comment: This variant has not been reported in the literature in individuals affected with NPHS1-related conditions. This sequence change creates a premature translational stop signal (p.Gln815*) in the NPHS1 gene. It is expected to result in an absent or disrupted protein product. Loss-of-function variants in NPHS1 are known to be pathogenic (PMID: 11317351, 11854170, 12039988). This variant is not present in population databases (gnomAD no frequency). For these reasons, this variant has been classified as Pathogenic.

Literature cited by the submitters: PubMed 11317351; PubMed 11854170; PubMed 12039988.